The following is an entry in ClinVar:

ClinVar aggregate classification (germline): Uncertain significance (1 of 4 stars; one submission).

Conditions:
Hereditary nonpolyposis colorectal neoplasms. Identifiers: MedGen C0009405, MeSH D003123.

Submission:

Labcorp Genetics (formerly Invitae), Labcorp
Classification: Uncertain significance for Hereditary nonpolyposis colorectal neoplasms. Last evaluated: 2023-02-05. Review status: criteria provided, single submitter. Criteria: Invitae Variant Classification Sherloc (09022015). Collection method: clinical testing. Allele origin: germline.
Comment: This variant has not been reported in the literature in individuals affected with PMS2-related conditions. Advanced modeling of protein sequence and biophysical properties (such as structural, functional, and spatial information, amino acid conservation, physicochemical variation, residue mobility, and thermodynamic stability) performed at Invitae indicates that this missense variant is not expected to disrupt PMS2 protein function. In summary, the available evidence is currently insufficient to determine the role of this variant in disease. Therefore, it has been classified as a Variant of Uncertain Significance. The frequency data for this variant in the population databases (gnomAD) is considered unreliable due to the presence of homologous sequence, such as pseudogenes or paralogs, in the genome. This sequence change replaces isoleucine, which is neutral and non-polar, with leucine, which is neutral and non-polar, at codon 859 of the PMS2 protein (p.Ile859Leu).

NM_000535.7(PMS2):c.2575A>C (p.Ile859Leu)

Gene: PMS2 (PMS1 homolog 2, mismatch repair system component; minus strand). Cytogenetic location: 7p22.1.
Variant type: single nucleotide variant.
Coding change: c.2575A>C on transcript NM_000535.7 (MANE Select); coding-DNA position 2575, A replaced by C.
Protein change: p.Ile859Leu; replaces isoleucine 859 with leucine.
Molecular consequence: missense variant. On other transcripts: non-coding transcript variant (1).
Genome position (GRCh38, 1-based): chr7:5,973,413, T>G on the plus strand (A>C on the coding strand, the complement: PMS2 is on the minus strand). VCF-style: chr7-5973413-T-G. GRCh37 (hg19) VCF-style: chr7-6013044-T-G.
Other names: c.1804A>C, p.Ile602Leu (NM_001406911.1); c.1372A>C, p.Ile458Leu (NM_001406912.1); c.2407A>C, p.Ile803Leu (NM_001406874.1, NM_001406872.1); c.2299A>C, p.Ile767Leu (NM_001406875.1); c.2290A>C, p.Ile764Leu (NM_001406876.1); c.2266A>C, p.Ile756Leu (NM_001406877.1, NM_001406878.1, NM_001406879.1 and 4 more transcripts); c.2257A>C, p.Ile753Leu (NM_001406883.1, NM_001322007.2, NM_001322008.2); c.2101A>C, p.Ile701Leu (NM_001406901.1, NM_001406902.1); and 20 more; short protein forms I620L, I688L, I735L, I737L, I747L, I756L, I807L, I867L.
Identifiers: ClinVar variation 3004863 (VCV003004863.3), dbSNP rs587780058, ClinGen allele CA366734734.